The following is an entry in ClinVar:

NM_022552.5(DNMT3A):c.1333G>A (p.Ala445Thr)

Gene: DNMT3A (DNA methyltransferase 3 alpha; minus strand). Cytogenetic location: 2p23.3.
Variant type: single nucleotide variant.
Coding change: c.1333G>A on transcript NM_022552.5 (MANE Select); coding-DNA position 1333, G replaced by A.
Protein change: p.Ala445Thr; replaces alanine 445 with threonine.
Molecular consequence: missense variant. On other transcripts: non-coding transcript variant (1).
Genome position (GRCh38, 1-based): chr2:25,246,256, C>T on the plus strand (G>A on the coding strand, the complement: DNMT3A is on the minus strand). VCF-style: chr2-25246256-C-T. GRCh37 (hg19) VCF-style: chr2-25469125-C-T.
Other names: c.877G>A, p.Ala293Thr (NM_001320893.1); c.664G>A, p.Ala222Thr (NM_001375819.1); c.766G>A, p.Ala256Thr (NM_153759.3); c.1333G>A, p.Ala445Thr (NM_175629.2); short protein forms A222T, A256T, A293T, A445T.
Identifiers: ClinVar variation 3250457 (VCV003250457.1), dbSNP rs2149300536.

ClinVar aggregate classification (germline): Uncertain significance (1 of 4 stars; one submission).

Conditions:
Heyn-Sproul-Jackson syndrome. Also called: MICROCEPHALY, SHORT STATURE, AND IMPAIRED INTELLECTUAL DEVELOPMENT. Identifiers: Orphanet 658595, MedGen C5231475, MONDO:0032882, OMIM 618724.

Allele frequency attached by ClinVar (database versions not stated): gnomAD exomes below 0.00001.
gnomAD v4.1: 1 of 1,614,098 alleles (0.000062%); highest among the groups gnomAD compares: South Asian, 0.0011%; no homozygotes.

Submission:

Neuberg Centre For Genomic Medicine, NCGM
Classification: Uncertain significance for Heyn-Sproul-Jackson syndrome. Review status: criteria provided, single submitter. Criteria: ACMG Guidelines, 2015. Collection method: clinical testing. Allele origin: germline. Inheritance: Autosomal dominant inheritance. Affected: yes.
Comment: The observed missense c.1333G>A (p.Ala445Thr) variant in DNMT3A gene has not been previously reported as pathogenic variant nor as a benign variant, to our knowledge. This variant is absent in gnomAD Exomes. This variant has not been submitted to the ClinVar database. The amino acid change p.Ala445Thr in DNMT3A is predicted as conserved by GERP++ and PhyloP across 100 vertebrates. The amino acid Ala at position 445 is changed to a Thr changing protein sequence and it might alter its composition and physico-chemical properties. For these reasons, this variant has been classified as uncertain significance.